The following is an entry in ClinVar:

NM_000535.7(PMS2):c.2271A>G (p.Glu757=)

Gene: PMS2 (PMS1 homolog 2, mismatch repair system component; minus strand). Cytogenetic location: 7p22.1.
Variant type: single nucleotide variant.
Coding change: c.2271A>G on transcript NM_000535.7 (MANE Select); coding-DNA position 2271, A replaced by G.
Protein change: p.Glu757=; no amino-acid change (glutamic acid 757 retained).
Molecular consequence: synonymous variant. On other transcripts: non-coding transcript variant (1).
Genome position (GRCh38, 1-based): chr7:5,978,600, T>C on the plus strand (A>G on the coding strand, the complement: PMS2 is on the minus strand). VCF-style: chr7-5978600-T-C. GRCh37 (hg19) VCF-style: chr7-6018231-T-C.
Other names: c.1866A>G, p.Glu622= (NM_001322003.2, NM_001322004.2, NM_001322005.2 and 1 more transcripts); c.2115A>G, p.Glu705= (NM_001322006.2); c.1953A>G, p.Glu651= (NM_001322007.2, NM_001322008.2); c.1710A>G, p.Glu570= (NM_001322010.2); c.1338A>G, p.Glu446= (NM_001322011.2, NM_001322012.2); c.1698A>G, p.Glu566= (NM_001322013.2); c.2271A>G, p.Glu757= (NM_001322014.2); c.1962A>G, p.Glu654= (NM_001322015.2).
Identifiers: ClinVar variation 484284 (VCV000484284.15), dbSNP rs1476682377, ClinGen allele CA453642584.
Genomic context (GRCh38, chr7:5,978,600, plus strand): 5'-GGATTACAGACGTGAGCCACCACACCCAGCCGCTATAGTTCTAATTAATAACTTACCATT[T>C]TCATCGATAACAAAATCAAAGCCATTCTTTCTAAATATTTCCAGATTTTCTATCAGAACA-3'
Protein context (NP_000526.2, residues 747-767): RKNGFDFVID[Glu757=]NAPVTERAKL

ClinVar aggregate classification (germline): Benign/Likely benign. Review status: criteria provided, multiple submitters, no conflicts (2 of 4 stars). 4 submissions from 4 submitters: Benign (1); Likely benign (3). Last evaluated 2025-12-23.

Conditions:
Hereditary nonpolyposis colorectal neoplasms. Identifiers: MedGen C0009405, MeSH D003123.
Hereditary cancer-predisposing syndrome. Also called: Neoplastic Syndromes, Hereditary; Tumor predisposition; Hereditary Cancer Syndrome; Hereditary neoplastic syndrome. Identifiers: Orphanet 140162, MedGen C0027672, MeSH D009386, MONDO:0015356.
Lynch syndrome 4 (LYNCH4). Also called: Colorectal cancer, hereditary nonpolyposis, type 4; Hereditary non-polyposis colorectal cancer, type 4. Identifiers: Orphanet 144, MedGen C1838333, MONDO:0013699, OMIM 614337. Disease mechanism: loss of function.

Allele frequency attached by ClinVar (database versions not stated): TOPMed below 0.00001; gnomAD 0.00001.

Submissions (4):

Labcorp Genetics (formerly Invitae), Labcorp
Classification: Likely benign for Hereditary nonpolyposis colorectal neoplasms. Last evaluated: 2025-12-23. Review status: criteria provided, single submitter. Criteria: Invitae Variant Classification Sherloc (09022015). Collection method: clinical testing. Allele origin: germline.

Color Diagnostics, LLC DBA Color Health
Classification: Likely benign for Hereditary cancer-predisposing syndrome. Last evaluated: 2025-06-23. Review status: criteria provided, single submitter. Criteria: ACMG Guidelines, 2015. Collection method: clinical testing. Allele origin: germline.

Myriad Genetics, Inc.
Classification: Benign for Lynch syndrome 4. Last evaluated: 2025-02-03. Review status: criteria provided, single submitter. Criteria: Myriad Autosomal Dominant, Autosomal Recessive and X-Linked Classification Criteria (2023). Collection method: clinical testing. Allele origin: unknown.
Comment: This variant is considered benign. This variant is a silent/synonymous amino acid change and it is not expected to impact splicing.

Ambry Genetics
Classification: Likely benign for Hereditary cancer-predisposing syndrome. Last evaluated: 2016-08-01. Review status: criteria provided, single submitter. Criteria: Ambry Variant Classification Scheme 2023. Collection method: clinical testing. Allele origin: germline.